The following is an entry in ClinVar:

NM_030773.4(TUBB1):c.1165T>C (p.Phe389Leu)

Gene: TUBB1 (tubulin beta 1 class VI; plus strand). Cytogenetic location: 20q13.32.
Variant type: single nucleotide variant.
Coding change: c.1165T>C on transcript NM_030773.4 (MANE Select); coding-DNA position 1165, T replaced by C.
Protein change: p.Phe389Leu; replaces phenylalanine 389 with leucine.
Molecular consequence: missense variant.
Genome position (GRCh38, 1-based): chr20:59,024,592, T>C. VCF-style: chr20-59024592-T-C. GRCh37 (hg19) VCF-style: chr20-57599647-T-C.
Other names: short protein forms F389L.
Identifiers: ClinVar variation 4992142 (VCV004992142.1).
Genomic context (GRCh38, chr20:59,024,592, plus strand): 5'-GGCAACAACACGGCCATCCAAGAGATCTTTAATAGGGTCTCTGAGCATTTCTCAGCCATG[T>C]TCAAAAGGAAAGCTTTTGTGCACTGGTACACCAGCGAAGGGATGGACATAAACGAATTTG-3'
Protein context (NP_110400.1, residues 379-399): NRVSEHFSAM[Phe389Leu]KRKAFVHWYT

ClinVar aggregate classification (germline): Uncertain significance (1 of 4 stars; one submission).

Conditions:
TUBB1-related disorder. Also called: TUBB1-related condition.

gnomAD v4.1: 2 of 1,614,084 alleles (0.00012%); highest among the groups gnomAD compares: Non-Finnish European, 0.00017%; no homozygotes.

Submission:

PreventionGenetics, part of Exact Sciences
Classification: Uncertain significance for TUBB1-related condition. Last evaluated: 2025-09-01. Review status: criteria provided, single submitter. Criteria: ACMG Guidelines, 2015. Collection method: clinical testing. Allele origin: germline.
Comment: The TUBB1 c.1165T>C variant is predicted to result in the amino acid substitution p.Phe389Leu. To our knowledge, this variant has not been reported in the literature or in a large population database (gnomAD), indicating this variant is rare. At this time, the clinical significance of this variant is uncertain due to the absence of conclusive functional and genetic evidence.